The following is an entry in ClinVar:

NM_016077.5(PTRH2):c.-18G>A

Gene: PTRH2 (peptidyl-tRNA hydrolase 2; minus strand). Cytogenetic location: 17q23.1.
Variant type: single nucleotide variant.
Coding change: c.-18G>A on transcript NM_016077.5 (MANE Select); 18 bases upstream of the start codon, G replaced by A.
Molecular consequence: 5 prime UTR variant.
Genome position (GRCh38, 1-based): chr17:59,707,388, C>T on the plus strand (G>A on the coding strand, the complement: PTRH2 is on the minus strand). VCF-style: chr17-59707388-C-T. GRCh37 (hg19) VCF-style: chr17-57784749-C-T.
Other names: c.-1334G>A (NM_001015509.3).
Identifiers: ClinVar variation 515629 (VCV000515629.1), dbSNP rs1555610182, ClinGen allele CA658798911.

ClinVar aggregate classification (germline): Likely benign (1 of 4 stars; one submission).

Allele frequency attached by ClinVar (database versions not stated): TOPMed below 0.00001.

Submission:

GeneDx
Classification: Likely benign. Last evaluated: 2018-03-01. Review status: criteria provided, single submitter. Criteria: GeneDx Variant Classification (06012015). Collection method: clinical testing. Allele origin: germline. Affected: yes.
Comment: This variant is considered likely benign or benign based on one or more of the following criteria: it is a conservative change, it occurs at a poorly conserved position in the protein, it is predicted to be benign by multiple in silico algorithms, and/or has population frequency not consistent with disease.